The following is an entry in ClinVar:

ClinVar aggregate classification (germline): Uncertain significance. Review status: criteria provided, multiple submitters, no conflicts (2 of 4 stars). 5 submissions from 5 submitters: Uncertain significance (4). 1 of the submissions does not count toward it. Last evaluated 2022-04-07.

Conditions:
Hypertrophic cardiomyopathy. Also called: HYPERTROPHIC MYOCARDIOPATHY. Identifiers: Orphanet 217569, MedGen C0007194, MeSH D002312, MONDO:0005045, HP:0001639.

Submissions (5):

GeneDx
Classification: Uncertain significance. Last evaluated: 2022-04-07. Review status: criteria provided, single submitter. Criteria: GeneDx Variant Classification Process June 2021. Collection method: clinical testing. Allele origin: germline. Affected: yes.
Comment: Reported in the published literature in one individual with familial DCM and one individual with HCM (Hershberger et al., 2010; Walsh et al., 2017); Not observed at significant frequency in large population cohorts (gnomAD); In silico analysis supports that this missense variant has a deleterious effect on protein structure/function; This variant is associated with the following publications: (PMID: 27532257, 20215591)

Mayo Clinic Laboratories, Mayo Clinic
Classification: Uncertain significance. Last evaluated: 2020-11-10. Review status: criteria provided, single submitter. Criteria: ACMG Guidelines, 2015. Collection method: clinical testing. Allele origin: germline. Observed: 1 variant allele.

Labcorp Genetics (formerly Invitae), Labcorp
Classification: Uncertain significance for Hypertrophic cardiomyopathy. Last evaluated: 2018-03-16. Review status: criteria provided, single submitter. Criteria: Invitae Variant Classification Sherloc (09022015). Collection method: clinical testing. Allele origin: germline.
Comment: This variant is not present in population databases (rs199476318, ExAC no frequency). This variant has been reported in individuals affected with dilated cardiomyopathy (PMID: 20215591, Invitae) and hypertrophic cardiomyopathy (PMID: 27532257). ClinVar contains an entry for this variant (Variation ID: 31895). In summary, this variant is a rare missense change with uncertain impact on protein function. While it is absent from the population and reported in affected individuals, the available evidence is currently insufficient to determine its role in disease. Therefore, it has been classified as a Variant of Uncertain Significance Algorithms developed to predict the effect of missense changes on protein structure and function do not agree on the potential impact of this missense change (SIFT: "Deleterious"; PolyPhen-2: "Probably Damaging"; Align-GVGD: "Class C0"). Missense variants that are absent from the ExAC population database have been shown to be significantly overrepresented in individuals with hypertrophic and dilated cardiomyopathy (PMID: 27532257). This sequence change replaces alanine with threonine at codon 239 of the TPM1 protein (p.Ala239Thr). The alanine residue is highly conserved and there is a small physicochemical difference between alanine and threonine.

Stanford Center for Inherited Cardiovascular Disease, Stanford University
Classification: Uncertain significance. Last evaluated: 2017-05-24. Review status: criteria provided, single submitter. Criteria: ACMG Guidelines, 2015. Collection method: provider interpretation. Allele origin: germline.

Leiden Muscular Dystrophy (TPM1)
No classification provided. Last evaluated: 2012-04-15. Review status: no classification provided. Collection method: curation. Allele origin: germline. Not counted in ClinVar's aggregate classification.

Literature cited by the submitters: PubMed 20215591 (cited by Labcorp Genetics (formerly Invitae), Labcorp); PubMed 27532257 (cited by Labcorp Genetics (formerly Invitae), Labcorp).

NM_001018005.2(TPM1):c.715G>A (p.Ala239Thr)

Gene: TPM1 (tropomyosin 1; plus strand). Cytogenetic location: 15q22.2.
Variant type: single nucleotide variant.
Coding change: c.715G>A on transcript NM_001018005.2 (MANE Select); coding-DNA position 715, G replaced by A.
Protein change: p.Ala239Thr; replaces alanine 239 with threonine.
Molecular consequence: missense variant.
Genome position (GRCh38, 1-based): chr15:63,062,588, G>A. VCF-style: chr15-63062588-G-A. GRCh37 (hg19) VCF-style: chr15-63354787-G-A.
Other names: c.715G>A, p.Ala239Thr (NM_000366.6, NM_001018004.2, NM_001018006.2 and 6 more transcripts); c.607G>A, p.Ala203Thr (NM_001018008.2, NM_001301289.2, NM_001330344.2 and 5 more transcripts); c.841G>A, p.Ala281Thr (NM_001365778.1); short protein forms A239T, A203T, A281T.
Identifiers: ClinVar variation 31895 (VCV000031895.17), dbSNP rs199476318, ClinGen allele CA019305.